The following is an entry in ClinVar:

NM_002335.4(LRP5):c.3581G>A (p.Arg1194His)

Gene: LRP5 (LDL receptor related protein 5; plus strand). Cytogenetic location: 11q13.2.
Variant type: single nucleotide variant.
Coding change: c.3581G>A on transcript NM_002335.4 (MANE Select); coding-DNA position 3581, G replaced by A.
Protein change: p.Arg1194His; replaces arginine 1194 with histidine.
Molecular consequence: missense variant.
Genome position (GRCh38, 1-based): chr11:68,426,131, G>A. VCF-style: chr11-68426131-G-A. GRCh37 (hg19) VCF-style: chr11-68193599-G-A.
Other names: c.1838G>A, p.Arg613His (NM_001291902.2); short protein forms R1194H, R613H.
Identifiers: ClinVar variation 1309659 (VCV001309659.10), dbSNP rs201017887, ClinGen allele CA224278588.

ClinVar aggregate classification (germline): Uncertain significance. Review status: criteria provided, multiple submitters, no conflicts (2 of 4 stars). 3 submissions from 3 submitters: Uncertain significance (3). Last evaluated 2025-04-22.

Allele frequency attached by ClinVar (database versions not stated): gnomAD 0.00001 and 0.00003; TOPMed 0.00001; gnomAD exomes 0.00002; 1000 Genomes Project 0.00020; 1000 Genomes Project 30x 0.00031.
gnomAD v4.1: 27 of 1,613,022 alleles (0.0017%); highest among the groups gnomAD compares: South Asian, 0.0077%; no homozygotes.

Submissions (3):

Labcorp Genetics (formerly Invitae), Labcorp
Classification: Uncertain significance. Last evaluated: 2025-04-22. Review status: criteria provided, single submitter. Criteria: Invitae Variant Classification Sherloc (09022015). Collection method: clinical testing. Allele origin: germline.
Comment: This sequence change replaces arginine, which is basic and polar, with histidine, which is basic and polar, at codon 1194 of the LRP5 protein (p.Arg1194His). The frequency data for this variant in the population databases is considered unreliable, as metrics indicate poor data quality at this position in the gnomAD database. This missense change has been observed in individual(s) with familial exudative vitreoretinopathy (PMID: 31106028). ClinVar contains an entry for this variant (Variation ID: 1309659). Invitae Evidence Modeling of protein sequence and biophysical properties (such as structural, functional, and spatial information, amino acid conservation, physicochemical variation, residue mobility, and thermodynamic stability) indicates that this missense variant is not expected to disrupt LRP5 protein function with a negative predictive value of 95%. In summary, the available evidence is currently insufficient to determine the role of this variant in disease. Therefore, it has been classified as a Variant of Uncertain Significance.

Revvity Omics, Revvity
Classification: Uncertain significance. Last evaluated: 2020-12-11. Review status: criteria provided, single submitter. Criteria: ACMG Guidelines, 2015. Collection method: clinical testing. Allele origin: germline.

GeneDx
Classification: Uncertain significance. Last evaluated: 2020-01-07. Review status: criteria provided, single submitter. Criteria: GeneDx Variant Classification Process June 2021. Collection method: clinical testing. Allele origin: germline. Affected: yes.
Comment: In silico analysis, which includes protein predictors and evolutionary conservation, supports a deleterious effect; Has not been previously reported as pathogenic or benign in association with bone disease to our knowledge; This variant is associated with the following publications: (PMID: 31106028)

Literature cited by the submitters: PubMed 31106028 (cited by Labcorp Genetics (formerly Invitae), Labcorp).